The following is an entry in ClinVar:

ClinVar aggregate classification (germline): Uncertain significance (0 of 4 stars; one submission).

Conditions:
KCNQ4-related disorder. Also called: KCNQ4-related condition.

Submission:

PreventionGenetics, part of Exact Sciences
Classification: Uncertain significance for KCNQ4-related condition. Last evaluated: 2024-04-25. Review status: no assertion criteria provided. Collection method: clinical testing. Allele origin: germline.
Comment: The KCNQ4 c.704G>T variant is predicted to result in the amino acid substitution p.Ser235Ile. To our knowledge, this variant has not been reported in the literature or in a large population database, indicating this variant is rare. At this time, the clinical significance of this variant is uncertain due to the absence of conclusive functional and genetic evidence.

NM_004700.4(KCNQ4):c.704G>T (p.Ser235Ile)

Gene: KCNQ4 (potassium voltage-gated channel subfamily Q member 4; plus strand). Cytogenetic location: 1p34.2.
Variant type: single nucleotide variant.
Coding change: c.704G>T on transcript NM_004700.4 (MANE Select); coding-DNA position 704, G replaced by T.
Protein change: p.Ser235Ile; replaces serine 235 with isoleucine.
Molecular consequence: missense variant.
Genome position (GRCh38, 1-based): chr1:40,818,676, G>T. VCF-style: chr1-40818676-G-T. GRCh37 (hg19) VCF-style: chr1-41284348-G-T.
Other names: c.704G>T, p.Ser235Ile (NM_172163.3); short protein forms S235I.
Identifiers: ClinVar variation 3346819 (VCV003346819.1).
Genomic context (GRCh38, chr1:40,818,676, plus strand): 5'-TGCGCATGGACCGCCGCGGCGGCACCTGGAAGCTGCTGGGCTCAGTGGTCTACGCGCATA[G>T]CAAGGTGAGGCCTGCAAGCCGCGCGCGGAGACCCGAGGGCGTGTCTGGGGCACGACCAGA-3'
Protein context (NP_004691.2, residues 225-245): KLLGSVVYAH[Ser235Ile]KELITAWYIG